The following is an entry in ClinVar:

NM_130837.3(OPA1):c.1035+3A>G

Gene: OPA1 (OPA1 mitochondrial dynamin like GTPase; plus strand). Cytogenetic location: 3q29.
Variant type: single nucleotide variant.
Coding change: c.1035+3A>G on transcript NM_130837.3 (MANE Select); 3 bases into the intron after coding-DNA position 1035, A replaced by G.
Molecular consequence: intron variant.
Genome position (GRCh38, 1-based): chr3:193,637,284, A>G. VCF-style: chr3-193637284-A-G. GRCh37 (hg19) VCF-style: chr3-193355073-A-G.
Other names: c.498+3A>G (NM_001354664.2); c.501+3A>G (NM_001354663.2); c.924+3A>G (NM_130834.3); c.981+3A>G (NM_130836.3); c.870+3A>G (NM_015560.3); c.927+3A>G (NM_130835.3); c.816+3A>G (NM_130832.3); c.873+3A>G (NM_130833.3); and 1 more.
Identifiers: ClinVar variation 2507243 (VCV002507243.2), dbSNP rs1436377466, ClinGen allele CA904564641.
Genomic context (GRCh38, chr3:193,637,284, plus strand): 5'-TCTTGATGTTCTCTCTGATTATGATGCCAGTTATAATACGCAAGATCATCTGCCACGGGT[A>G]TGTGAAAAATTGATAGTGAACTTGCCAATTAGCAAAAAAAGAAGCAGCTTAGCTTCCTAA-3'

ClinVar aggregate classification (germline): Uncertain significance (1 of 4 stars; one submission).

Allele frequency attached by ClinVar (database versions not stated): gnomAD 0.00002; TOPMed 0.00002; gnomAD exomes 0.00002.
gnomAD v4.1: 28 of 1,594,278 alleles (0.0018%); highest among the groups gnomAD compares: Non-Finnish European, 0.0022%; no homozygotes.

Submission:

GeneDx
Classification: Uncertain significance. Last evaluated: 2025-11-18. Review status: criteria provided, single submitter. Criteria: GeneDx Variant Classification Process June 2021. Collection method: clinical testing. Allele origin: germline. Affected: yes.
Comment: Not observed at significant frequency in large population cohorts (gnomAD); In silico analysis supports a deleterious effect on splicing; Has not been previously published as pathogenic or benign to our knowledge